The following is an entry in ClinVar:

NM_006218.4(PIK3CA):c.2266A>T (p.Asn756Tyr)

Gene: PIK3CA (phosphatidylinositol-4,5-bisphosphate 3-kinase catalytic subunit alpha; plus strand). Cytogenetic location: 3q26.32.
Variant type: single nucleotide variant.
Coding change: c.2266A>T on transcript NM_006218.4 (MANE Select); coding-DNA position 2266, A replaced by T.
Protein change: p.Asn756Tyr; replaces asparagine 756 with tyrosine.
Molecular consequence: missense variant.
Genome position (GRCh38, 1-based): chr3:179,224,159, A>T. VCF-style: chr3-179224159-A-T. GRCh37 (hg19) VCF-style: chr3-178941947-A-T.
Other names: short protein forms N756Y.
Identifiers: ClinVar variation 1788704 (VCV001788704.2), dbSNP rs2108416896, ClinGen allele CA355270883.

ClinVar aggregate classification (germline): Uncertain significance (1 of 4 stars; one submission).

Conditions:
Inborn genetic diseases. Identifiers: MedGen C0950123, MeSH D030342.

Submission:

Ambry Genetics
Classification: Uncertain significance for Inborn genetic diseases. Last evaluated: 2022-10-13. Review status: criteria provided, single submitter. Criteria: Ambry Variant Classification Scheme 2023. Collection method: clinical testing. Allele origin: germline.
Comment: The p.N756Y variant (also known as c.2266A>T), located in coding exon 14 of the PIK3CA gene, results from an A to T substitution at nucleotide position 2266. The asparagine at codon 756 is replaced by tyrosine, an amino acid with dissimilar properties. This amino acid position is conserved. In addition, this alteration is predicted to be deleterious by in silico analysis. Since supporting evidence is limited at this time, the clinical significance of this alteration remains unclear.